The following is an entry in ClinVar:

NM_024675.4(PALB2):c.2288T>G (p.Leu763Trp)

Gene: PALB2 (partner and localizer of BRCA2; minus strand). Cytogenetic location: 16p12.2.
Variant type: single nucleotide variant.
Coding change: c.2288T>G on transcript NM_024675.4 (MANE Select); coding-DNA position 2288, T replaced by G.
Protein change: p.Leu763Trp; replaces leucine 763 with tryptophan.
Molecular consequence: missense variant. On other transcripts: intron variant (1).
Genome position (GRCh38, 1-based): chr16:23,629,866, A>C on the plus strand (T>G on the coding strand, the complement: PALB2 is on the minus strand). VCF-style: chr16-23629866-A-C. GRCh37 (hg19) VCF-style: chr16-23641187-A-C.
Other names: c.2228T>G, p.Leu743Trp (NM_001407296.1); c.2288T>G, p.Leu763Trp (NM_001407297.1, NM_001407298.1, NM_001407299.1 and 3 more transcripts); c.1403T>G, p.Leu468Trp (NM_001407304.1, NM_001407305.1, NM_001407306.1 and 5 more transcripts); c.500T>G, p.Leu167Trp (NM_001407312.1, NM_001407313.1); c.49-591T>G (NM_001407314.1); short protein forms L743W, L763W, L167W, L468W.
Identifiers: ClinVar variation 3885201 (VCV003885201.1).

ClinVar aggregate classification (germline): Uncertain significance (1 of 4 stars; one submission).

Conditions:
Hereditary cancer-predisposing syndrome. Also called: Tumor predisposition; Neoplastic Syndromes, Hereditary; Hereditary Cancer Syndrome; Hereditary neoplastic syndrome. Identifiers: Orphanet 140162, MedGen C0027672, MeSH D009386, MONDO:0015356.

Submission:

Ambry Genetics
Classification: Uncertain significance for Hereditary cancer-predisposing syndrome. Last evaluated: 2025-01-09. Review status: criteria provided, single submitter. Criteria: Ambry Variant Classification Scheme 2023. Collection method: clinical testing. Allele origin: germline.
Comment: The p.L763W variant (also known as c.2288T>G), located in coding exon 5 of the PALB2 gene, results from a T to G substitution at nucleotide position 2288. The leucine at codon 763 is replaced by tryptophan, an amino acid with similar properties. This amino acid position is conserved. In addition, this alteration is predicted to be tolerated by in silico analysis. Based on the available evidence, the clinical significance of this variant remains unclear.